The following is an entry in ClinVar:

NM_018192.4(P3H2):c.799G>C (p.Ala267Pro)

Gene: P3H2 (prolyl 3-hydroxylase 2; minus strand). Cytogenetic location: 3q28.
Variant type: single nucleotide variant.
Coding change: c.799G>C on transcript NM_018192.4 (MANE Select); coding-DNA position 799, G replaced by C.
Protein change: p.Ala267Pro; replaces alanine 267 with proline.
Molecular consequence: missense variant.
Genome position (GRCh38, 1-based): chr3:189,994,118, C>G on the plus strand (G>C on the coding strand, the complement: P3H2 is on the minus strand). VCF-style: chr3-189994118-C-G. GRCh37 (hg19) VCF-style: chr3-189711907-C-G.
Other names: c.799G>C (NM_018192.3); c.256G>C, p.Ala86Pro (NM_001134418.2); short protein forms A267P, A86P.
Identifiers: ClinVar variation 1008793 (VCV001008793.6), dbSNP rs779423721, ClinGen allele CA2753221.
Genomic context (GRCh38, chr3:189,994,118, plus strand): 5'-TCAAGAAAGAAATAAAATGAAAAATTAAGCTTTTACCTGCAATAGCTTCATACAGACCAG[C>G]CTTATACCCTAAATACTCATATTCTTCAAATCTCTGAGGCCCCTCACATAGGGTCCGGCA-3'
Protein context (NP_060662.2, residues 257-277): FEEYEYLGYK[Ala267Pro]GLYEAIADHY

ClinVar aggregate classification (germline): Uncertain significance. Review status: criteria provided, multiple submitters, no conflicts (2 of 4 stars). 2 submissions from 2 submitters: Uncertain significance (2). Last evaluated 2025-04-28.

Conditions:
Inborn genetic diseases. Identifiers: MedGen C0950123, MeSH D030342.

Allele frequency attached by ClinVar (database versions not stated): gnomAD exomes 0.00001; ExAC 0.00002; TOPMed 0.00002.
gnomAD v4.1: 11 of 1,613,036 alleles (0.00068%); highest among the groups gnomAD compares: Middle Eastern, 0.016%; no homozygotes.

Submissions (2):

Labcorp Genetics (formerly Invitae), Labcorp
Classification: Uncertain significance. Last evaluated: 2025-04-28. Review status: criteria provided, single submitter. Criteria: Invitae Variant Classification Sherloc (09022015). Collection method: clinical testing. Allele origin: germline.
Comment: This sequence change replaces alanine, which is neutral and non-polar, with proline, which is neutral and non-polar, at codon 267 of the P3H2 protein (p.Ala267Pro). This variant is present in population databases (rs779423721, gnomAD 0.01%). This variant has not been reported in the literature in individuals affected with P3H2-related conditions. ClinVar contains an entry for this variant (Variation ID: 1008793). Invitae Evidence Modeling of protein sequence and biophysical properties (such as structural, functional, and spatial information, amino acid conservation, physicochemical variation, residue mobility, and thermodynamic stability) indicates that this missense variant is not expected to disrupt P3H2 protein function with a negative predictive value of 80%. In summary, the available evidence is currently insufficient to determine the role of this variant in disease. Therefore, it has been classified as a Variant of Uncertain Significance.

Ambry Genetics
Classification: Uncertain significance for Inborn genetic diseases. Last evaluated: 2024-08-04. Review status: criteria provided, single submitter. Criteria: Ambry Variant Classification Scheme 2023. Collection method: clinical testing. Allele origin: germline.